The following is an entry in ClinVar:

ClinVar aggregate classification (germline): Uncertain significance (1 of 4 stars; one submission).

Submission:

GeneDx
Classification: Uncertain significance. Last evaluated: 2024-01-06. Review status: criteria provided, single submitter. Criteria: GeneDx Variant Classification Process June 2021. Collection method: clinical testing. Allele origin: germline. Affected: yes.
Comment: Not observed at significant frequency in large population cohorts (gnomAD); In silico analysis supports that this missense variant does not alter protein structure/function; Has not been previously published as pathogenic or benign to our knowledge

NM_006236.3(POU3F3):c.101G>T (p.Gly34Val)

Gene: POU3F3 (POU class 3 homeobox 3; plus strand). Cytogenetic location: 2q12.1.
Variant type: single nucleotide variant.
Coding change: c.101G>T on transcript NM_006236.3 (MANE Select); coding-DNA position 101, G replaced by T.
Protein change: p.Gly34Val; replaces glycine 34 with valine.
Molecular consequence: missense variant.
Genome position (GRCh38, 1-based): chr2:104,855,611, G>T. VCF-style: chr2-104855611-G-T. GRCh37 (hg19) VCF-style: chr2-105472069-G-T.
Other names: short protein forms G34V.
Identifiers: ClinVar variation 3367558 (VCV003367558.1).